The following is an entry in ClinVar:

NM_000038.6(APC):c.4035dup (p.Ser1346fs)

Gene: APC (APC regulator of Wnt signaling pathway; plus strand). Cytogenetic location: 5q22.2.
Variant type: Duplication.
Coding change: c.4035dup on transcript NM_000038.6 (MANE Select); coding-DNA position 4035, one base duplicated (A; older notation c.4035dupA).
Protein change: p.Ser1346fs; shifts the reading frame from serine 1346.
Molecular consequence: frameshift variant. On other transcripts: non-coding transcript variant (2).
Genome position (GRCh38, 1-based): chr5:112,839,629, A duplicated; the last of 2 consecutive A bases (chr5:112,839,628-112,839,629); duplicating either gives the same sequence. VCF-style (leftmost placement, unchanged base first): chr5-112839627-G-GA. GRCh37 (hg19) VCF-style: chr5-112175324-G-GA.
Other names: c.3858dup, p.Ser1287fs (NM_001354901.2, NM_001407453.1); c.3762dup, p.Ser1255fs (NM_001354902.2); c.3186dup, p.Ser1063fs (NM_001354906.2, NM_001407470.1); c.3732dup, p.Ser1245fs (NM_001354903.2, NM_001407458.1, NM_001407459.1 and 1 more transcripts); c.3657dup, p.Ser1220fs (NM_001354904.2); c.3555dup, p.Ser1186fs (NM_001354905.2); c.4119dup, p.Ser1374fs (NM_001407446.1); c.4035dup, p.Ser1346fs (NM_001127510.3, NM_001354895.2, NM_001407450.1); and 11 more; short protein forms S1063fs, S1186fs, S1217fs, S1220fs, S1245fs, S1255fs, S1263fs, S1287fs.
Identifiers: ClinVar variation 2584073 (VCV002584073.4), dbSNP rs2533543406, ClinGen allele CA645543700.

ClinVar aggregate classification (germline): Pathogenic. Review status: criteria provided, multiple submitters, no conflicts (2 of 4 stars). 2 submissions from 2 submitters: Pathogenic (2). Last evaluated 2023-10-29.

Conditions:
Familial adenomatous polyposis 1 (FAP1). Also called: FAMILIAL ADENOMATOUS POLYPOSIS 1, ATTENUATED; POLYPOSIS, ADENOMATOUS INTESTINAL. Identifiers: MedGen C2713442, MONDO:0021056, OMIM 175100. Disease mechanism: loss of function.

Submissions (2):

Labcorp Genetics (formerly Invitae), Labcorp
Classification: Pathogenic for Familial adenomatous polyposis 1. Last evaluated: 2023-10-29. Review status: criteria provided, single submitter. Criteria: Invitae Variant Classification Sherloc (09022015). Collection method: clinical testing. Allele origin: germline.
Comment: This sequence change creates a premature translational stop signal (p.Ser1346Ilefs*8) in the APC gene. While this is not anticipated to result in nonsense mediated decay, it is expected to disrupt the last 1498 amino acid(s) of the APC protein. This variant is not present in population databases (gnomAD no frequency). This premature translational stop signal has been observed in individual(s) with personal or family history of colorectal cancer and/or polyposis (PMID: 23460355). This variant is expected to disrupt the EB1 and HDLG binding sites, which mediate interactions with the cytoskeleton (PMID: 15311282, 17293347). While functional studies have not been performed to directly test the effect on APC protein function, this suggests that disruption of the C-terminal portion of the protein is functionally important. A different truncation (p.Tyr2645Lysfs*14) that lies downstream of this variant has been determined to be pathogenic (PMID: 9824584, 1316610, 27081525, 8381579, 22135120, Invitae). This suggests that deletion of this region of the APC protein is causative of disease. For these reasons, this variant has been classified as Pathogenic.

Myriad Genetics, Inc.
Classification: Pathogenic for Familial adenomatous polyposis 1. Last evaluated: 2023-05-10. Review status: criteria provided, single submitter. Criteria: Myriad Autosomal Dominant, Autosomal Recessive and X-Linked Classification Criteria (2023). Collection method: clinical testing. Allele origin: unknown.
Comment: This variant is considered pathogenic. This variant creates a frameshift predicted to result in premature protein truncation.

Literature cited by the submitters: PubMed 23460355 (cited by Labcorp Genetics (formerly Invitae), Labcorp); PubMed 15311282 (cited by Labcorp Genetics (formerly Invitae), Labcorp); PubMed 17293347 (cited by Labcorp Genetics (formerly Invitae), Labcorp); PubMed 9824584 (cited by Labcorp Genetics (formerly Invitae), Labcorp); PubMed 1316610 (cited by Labcorp Genetics (formerly Invitae), Labcorp); PubMed 27081525 (cited by Labcorp Genetics (formerly Invitae), Labcorp); PubMed 8381579 (cited by Labcorp Genetics (formerly Invitae), Labcorp); PubMed 22135120 (cited by Labcorp Genetics (formerly Invitae), Labcorp).